The following is an entry in ClinVar:

ClinVar aggregate classification (germline): Likely benign. Review status: criteria provided, multiple submitters, no conflicts (2 of 4 stars). 6 submissions from 6 submitters: Likely benign (5). 1 of the submissions does not count toward it. Last evaluated 2026-01-01.

Conditions:
Cardiovascular phenotype. Identifiers: MedGen CN230736.
Alstrom syndrome (ALMS). Identifiers: Orphanet 64, MedGen C0268425, MONDO:0008763, OMIM 203800.

Allele frequency attached by ClinVar (database versions not stated): ExAC 0.00001; gnomAD 0.00001; gnomAD exomes 0.00001; TOPMed 0.00002.
gnomAD v4.1: 10 of 1,613,558 alleles (0.00062%); highest among the groups gnomAD compares: Middle Eastern, 0.016%; no homozygotes.

Submissions (6):

Labcorp Genetics (formerly Invitae), Labcorp
Classification: Likely benign for Alstrom syndrome. Last evaluated: 2026-01-01. Review status: criteria provided, single submitter. Criteria: Invitae Variant Classification Sherloc (09022015). Collection method: clinical testing. Allele origin: germline.

CeGaT Center for Human Genetics Tuebingen
Classification: Likely benign. Last evaluated: 2025-01-01. Review status: criteria provided, single submitter. Criteria: CeGaT Center For Human Genetics Tuebingen Variant Classification Criteria Version 2. Collection method: clinical testing. Allele origin: germline. Affected: yes. Observed: 1 variant allele.
Comment: ALMS1: BP4, BP7

Ambry Genetics
Classification: Likely benign for Cardiovascular phenotype. Last evaluated: 2021-12-18. Review status: criteria provided, single submitter. Criteria: Ambry Variant Classification Scheme 2023. Collection method: clinical testing. Allele origin: germline.

Blueprint Genetics
Classification: Likely benign. Last evaluated: 2021-07-12. Review status: criteria provided, single submitter. Criteria: ACMG Guidelines, 2015. Collection method: clinical testing. Allele origin: germline.

Breakthrough Genomics
Classification: Likely benign. Review status: criteria provided, single submitter. Criteria: ACMG Guidelines, 2015. Collection method: not provided. Allele origin: germline. Inheritance: Autosomal recessive inheritance. Affected: yes.

Natera, Inc.
Classification: Uncertain significance for Alstrom syndrome. Last evaluated: 2020-03-10. Review status: no assertion criteria provided. Collection method: clinical testing. Allele origin: germline. Not counted in ClinVar's aggregate classification.

NM_001378454.1(ALMS1):c.7005T>C (p.Asp2335=)

Gene: ALMS1 (ALMS1 centrosome and basal body associated protein; plus strand). Cytogenetic location: 2p13.1.
Variant type: single nucleotide variant.
Coding change: c.7005T>C on transcript NM_001378454.1 (MANE Select); coding-DNA position 7005, T replaced by C.
Protein change: p.Asp2335=; no amino-acid change (aspartic acid 2335 retained).
Molecular consequence: synonymous variant.
Genome position (GRCh38, 1-based): chr2:73,453,532, T>C. VCF-style: chr2-73453532-T-C. GRCh37 (hg19) VCF-style: chr2-73680659-T-C.
Other names: c.7008T>C, p.Asp2336= (NM_015120.4).
Identifiers: ClinVar variation 700462 (VCV000700462.27), dbSNP rs781592497, ClinGen allele CA1714162.